The following is an entry in ClinVar:

ClinVar aggregate classification (germline): Uncertain significance (1 of 4 stars; one submission).

Conditions:
Cardiovascular phenotype. Identifiers: MedGen CN230736.

gnomAD v4.1: 1 of 1,606,662 alleles (0.000062%); highest among the groups gnomAD compares: Non-Finnish European, 0.000085%; no homozygotes.

Submission:

Ambry Genetics
Classification: Uncertain significance for Cardiovascular phenotype. Last evaluated: 2024-10-19. Review status: criteria provided, single submitter. Criteria: Ambry Variant Classification Scheme 2023. Collection method: clinical testing. Allele origin: germline.
Comment: The p.V85L variant (also known as c.253G>T), located in coding exon 2 of the JUP gene, results from a G to T substitution at nucleotide position 253. The valine at codon 85 is replaced by leucine, an amino acid with highly similar properties. This amino acid position is conserved. In addition, this alteration is predicted to be tolerated by in silico analysis. Based on the available evidence, the clinical significance of this variant remains unclear.

NM_002230.4(JUP):c.253G>T (p.Val85Leu)

Gene: JUP (junction plakoglobin; minus strand). Cytogenetic location: 17q21.2.
Variant type: single nucleotide variant.
Coding change: c.253G>T on transcript NM_002230.4 (MANE Select); coding-DNA position 253, G replaced by T.
Protein change: p.Val85Leu; replaces valine 85 with leucine.
Molecular consequence: missense variant.
Genome position (GRCh38, 1-based): chr17:41,769,633, C>A on the plus strand (G>T on the coding strand, the complement: JUP is on the minus strand). VCF-style: chr17-41769633-C-A. GRCh37 (hg19) VCF-style: chr17-39925885-C-A.
Other names: c.253G>T, p.Val85Leu (NM_001352773.2, NM_001352774.2, NM_001352775.2 and 3 more transcripts); short protein forms V85L.
Identifiers: ClinVar variation 3531621 (VCV003531621.1).